The following is an entry in ClinVar:

ClinVar aggregate classification (germline): Uncertain significance (1 of 4 stars; one submission).

Conditions:
FGFR2-related craniosynostosis. Identifiers: MedGen CN231480.

Allele frequency attached by ClinVar (database versions not stated): ExAC 0.00003; gnomAD 0.00003; TOPMed 0.00003.
gnomAD v4.1: 32 of 1,614,206 alleles (0.002%); highest among the groups gnomAD compares: East Asian, 0.022%; no homozygotes.

Submission:

Labcorp Genetics (formerly Invitae), Labcorp
Classification: Uncertain significance for FGFR2-related craniosynostosis. Last evaluated: 2025-09-22. Review status: criteria provided, single submitter. Criteria: Invitae Variant Classification Sherloc (09022015). Collection method: clinical testing. Allele origin: germline.
Comment: This sequence change replaces alanine, which is neutral and non-polar, with threonine, which is neutral and polar, at codon 511 of the FGFR2 protein (p.Ala511Thr). This variant is present in population databases (rs765066758, gnomAD 0.01%). This variant has not been reported in the literature in individuals affected with FGFR2-related conditions. ClinVar contains an entry for this variant (Variation ID: 2071440). Invitae Evidence Modeling of protein sequence and biophysical properties (such as structural, functional, and spatial information, amino acid conservation, physicochemical variation, residue mobility, and thermodynamic stability) indicates that this missense variant is not expected to disrupt FGFR2 protein function with a negative predictive value of 80%. In summary, the available evidence is currently insufficient to determine the role of this variant in disease. Therefore, it has been classified as a Variant of Uncertain Significance.

NM_000141.5(FGFR2):c.1531G>A (p.Ala511Thr)

Gene: FGFR2 (fibroblast growth factor receptor 2; minus strand). Cytogenetic location: 10q26.13.
Variant type: single nucleotide variant.
Coding change: c.1531G>A on transcript NM_000141.5 (MANE Select); coding-DNA position 1531, G replaced by A.
Protein change: p.Ala511Thr; replaces alanine 511 with threonine.
Molecular consequence: missense variant. On other transcripts: non-coding transcript variant (1).
Genome position (GRCh38, 1-based): chr10:121,500,856, C>T on the plus strand (G>A on the coding strand, the complement: FGFR2 is on the minus strand). VCF-style: chr10-121500856-C-T. GRCh37 (hg19) VCF-style: chr10-123260370-C-T.
Other names: c.1534G>A, p.Ala512Thr (NM_001144913.1, NM_022970.4); c.1195G>A, p.Ala399Thr (NM_001144914.1); c.1264G>A, p.Ala422Thr (NM_001144915.2, NM_023029.3); c.1186G>A, p.Ala396Thr (NM_001144916.2); c.1183G>A, p.Ala395Thr (NM_001144917.2); c.1180G>A, p.Ala394Thr (NM_001144918.2); c.1267G>A, p.Ala423Thr (NM_001144919.2); c.847G>A, p.Ala283Thr (NM_001320654.2); and 1 more; short protein forms A509T, A512T, A396T, A399T, A422T, A423T, A511T, A283T.
Identifiers: ClinVar variation 2071440 (VCV002071440.4), dbSNP rs765066758, ClinGen allele CA5720725.